The following is an entry in ClinVar:

ClinVar aggregate classification (germline): Uncertain significance (1 of 4 stars; one submission).

Submission:

Labcorp Genetics (formerly Invitae), Labcorp
Classification: Uncertain significance. Last evaluated: 2023-12-13. Review status: criteria provided, single submitter. Criteria: Invitae Variant Classification Sherloc (09022015). Collection method: clinical testing. Allele origin: germline.
Comment: This sequence change replaces glycine, which is neutral and non-polar, with valine, which is neutral and non-polar, at codon 169 of the NCKAP1L protein (p.Gly169Val). This variant also falls at the last nucleotide of exon 5, which is part of the consensus splice site for this exon. This variant is not present in population databases (gnomAD no frequency). This variant has not been reported in the literature in individuals affected with NCKAP1L-related conditions. An algorithm developed to predict the effect of missense changes on protein structure and function (PolyPhen-2) suggests that this variant is likely to be tolerated. Variants that disrupt the consensus splice site are a relatively common cause of aberrant splicing (PMID: 17576681, 9536098). Algorithms developed to predict the effect of sequence changes on RNA splicing suggest that this variant may disrupt the consensus splice site. In summary, the available evidence is currently insufficient to determine the role of this variant in disease. Therefore, it has been classified as a Variant of Uncertain Significance.

Literature cited by the submitters: PubMed 17576681; PubMed 9536098.

NM_005337.5(NCKAP1L):c.506G>T (p.Gly169Val)

Gene: NCKAP1L (NCK associated protein 1 like; plus strand). Cytogenetic location: 12q13.2.
Variant type: single nucleotide variant.
Coding change: c.506G>T on transcript NM_005337.5 (MANE Select); coding-DNA position 506, G replaced by T.
Protein change: p.Gly169Val; replaces glycine 169 with valine.
Molecular consequence: missense variant.
Genome position (GRCh38, 1-based): chr12:54,508,531, G>T. VCF-style: chr12-54508531-G-T. GRCh37 (hg19) VCF-style: chr12-54902315-G-T.
Other names: c.356G>T, p.Gly119Val (NM_001184976.2); short protein forms G119V, G169V.
Identifiers: ClinVar variation 2919602 (VCV002919602.3), dbSNP rs2498579529, ClinGen allele CA385128598.